The following is an entry in ClinVar:

NM_001136472.2(LITAF):c.230A>G (p.Gln77Arg)

Gene: LITAF (lipopolysaccharide induced TNF factor; minus strand). Cytogenetic location: 16p13.13.
Variant type: single nucleotide variant.
Coding change: c.230A>G on transcript NM_001136472.2 (MANE Select); coding-DNA position 230, A replaced by G.
Protein change: p.Gln77Arg; replaces glutamine 77 with arginine.
Molecular consequence: missense variant. On other transcripts: non-coding transcript variant (1).
Genome position (GRCh38, 1-based): chr16:11,553,680, T>C on the plus strand (A>G on the coding strand, the complement: LITAF is on the minus strand). VCF-style: chr16-11553680-T-C. GRCh37 (hg19) VCF-style: chr16-11647536-T-C.
Other names: c.230A>G, p.Gln77Arg (NM_001136473.1, NM_004862.4); short protein forms Q77R.
Identifiers: ClinVar variation 3632372 (VCV003632372.2).

ClinVar aggregate classification (germline): Uncertain significance (1 of 4 stars; one submission).

Conditions:
Charcot-Marie-Tooth disease type 1C. Also called: CHARCOT-MARIE-TOOTH DISEASE, DEMYELINATING, TYPE 1C; CHARCOT-MARIE-TOOTH NEUROPATHY, TYPE 1C; NEUROPATHY, HEREDITARY MOTOR AND SENSORY, TYPE IC; Charcot-Marie-Tooth disease, type IC; CMT, SLOW NERVE CONDUCTION TYPE C; HMSN IC. Identifiers: Orphanet 101083, MedGen C0270913, MONDO:0010995, OMIM 601098.

gnomAD v4.1: 2 of 1,614,154 alleles (0.00012%); highest among the groups gnomAD compares: Non-Finnish European, 0.00017%; no homozygotes.

Submission:

Labcorp Genetics (formerly Invitae), Labcorp
Classification: Uncertain significance for Charcot-Marie-Tooth disease type 1C. Last evaluated: 2025-01-12. Review status: criteria provided, single submitter. Criteria: Invitae Variant Classification Sherloc (09022015). Collection method: clinical testing. Allele origin: germline.
Comment: This sequence change replaces glutamine, which is neutral and polar, with arginine, which is basic and polar, at codon 77 of the LITAF protein (p.Gln77Arg). This variant is not present in population databases (gnomAD no frequency). This variant has not been reported in the literature in individuals affected with LITAF-related conditions. An algorithm developed to predict the effect of missense changes on protein structure and function (PolyPhen-2) suggests that this variant is likely to be disruptive. In summary, the available evidence is currently insufficient to determine the role of this variant in disease. Therefore, it has been classified as a Variant of Uncertain Significance.